The following is an entry in ClinVar:

ClinVar aggregate classification (germline): Pathogenic (1 of 4 stars; one submission).

Conditions:
Benign neonatal seizures. Also called: Benign neonatal familial convulsions; Benign familial neonatal epilepsy; Convulsions benign familial neonatal dominant form; Autosomal dominant form of benign neonatal seizures; Benign familial neonatal seizures. Identifiers: Orphanet 1949, MedGen C0220669, MONDO:0016027.

Submission:

Labcorp Genetics (formerly Invitae), Labcorp
Classification: Pathogenic for Benign neonatal seizures. Last evaluated: 2025-09-15. Review status: criteria provided, single submitter. Criteria: Invitae Variant Classification Sherloc (09022015). Collection method: clinical testing. Allele origin: germline.
Comment: This sequence change creates a premature translational stop signal (p.Gly21*) in the KCNQ3 gene. It is expected to result in an absent or disrupted protein product. Loss-of-function variants in KCNQ3 are known to be pathogenic (PMID: 29383681, 29852413). This variant is not present in population databases (gnomAD no frequency). This variant has not been reported in the literature in individuals affected with KCNQ3-related conditions. ClinVar contains an entry for this variant (Variation ID: 842150). For these reasons, this variant has been classified as Pathogenic.

Literature cited by the submitters: PubMed 29383681; PubMed 29852413.

NM_004519.4(KCNQ3):c.61_77del (p.Gly20_Gly21insTer)

Gene: KCNQ3 (potassium voltage-gated channel subfamily Q member 3; minus strand). Cytogenetic location: 8q24.22.
Variant type: Deletion.
Coding change: c.61_77del on transcript NM_004519.4 (MANE Select); coding-DNA positions 61 to 77, 17 bases deleted (GGAGGCGGCGGGGCGGC).
Protein change: p.Gly20_Gly21insTer.
Molecular consequence: nonsense.
Genome position (GRCh38, 1-based): chr8:132,480,456-132,480,472, GCCGCCCCGCCGCCTCC deleted on the plus strand (GGAGGCGGCGGGGCGGC on the coding strand, the reverse complement: KCNQ3 is on the minus strand); deleting any 17 consecutive bases within chr8:132,480,456-132,480,480 gives the same sequence; the c. name uses the placement nearest the transcript's 3' end. VCF-style (leftmost placement, unchanged base first): chr8-132480455-AGCCGCCCCGCCGCCTCC-A. GRCh37 (hg19) VCF-style: chr8-133492702-AGCCGCCCCGCCGCCTCC-A.
Identifiers: ClinVar variation 842150 (VCV000842150.7), dbSNP rs1174348338, ClinGen allele CA916083011.